The following is an entry in ClinVar:

ClinVar aggregate classification (germline): Uncertain significance (1 of 4 stars; one submission).

Conditions:
Dilated cardiomyopathy 1W (CMD1W). Identifiers: Orphanet 154, MedGen C1969639, MONDO:0012667, OMIM 611407.

Submission:

Labcorp Genetics (formerly Invitae), Labcorp
Classification: Uncertain significance for Dilated cardiomyopathy 1W. Last evaluated: 2025-10-18. Review status: criteria provided, single submitter. Criteria: Invitae Variant Classification Sherloc (09022015). Collection method: clinical testing. Allele origin: germline.
Comment: This sequence change replaces glycine, which is neutral and non-polar, with alanine, which is neutral and non-polar, at codon 660 of the VCL protein (p.Gly660Ala). This variant is not present in population databases (gnomAD no frequency). This variant has not been reported in the literature in individuals affected with VCL-related conditions. An algorithm developed to predict the effect of missense changes on protein structure and function (PolyPhen-2) suggests that this variant is likely to be disruptive. In summary, the available evidence is currently insufficient to determine the role of this variant in disease. Therefore, it has been classified as a Variant of Uncertain Significance.

NM_014000.3(VCL):c.1979G>C (p.Gly660Ala)

Gene: VCL (vinculin; plus strand). Cytogenetic location: 10q22.2.
Variant type: single nucleotide variant.
Coding change: c.1979G>C on transcript NM_014000.3 (MANE Select); coding-DNA position 1979, G replaced by C.
Protein change: p.Gly660Ala; replaces glycine 660 with alanine.
Molecular consequence: missense variant.
Genome position (GRCh38, 1-based): chr10:74,101,054, G>C. VCF-style: chr10-74101054-G-C. GRCh37 (hg19) VCF-style: chr10-75860812-G-C.
Other names: c.1979G>C, p.Gly660Ala (NM_003373.4); short protein forms G660A.
Identifiers: ClinVar variation 4728820 (VCV004728820.1).